The following is an entry in ClinVar:

ClinVar aggregate classification (germline): Uncertain significance. Review status: criteria provided, multiple submitters, no conflicts (2 of 4 stars). 2 submissions from 2 submitters: Uncertain significance (2). Last evaluated 2018-09-27.

Conditions:
Hereditary spastic paraplegia 50 (SPG50). Also called: Spastic paraplegia 50, autosomal recessive. Identifiers: Orphanet 280763, MedGen C2752008, MONDO:0013048, OMIM 612936.

Allele frequency attached by ClinVar (database versions not stated): gnomAD below 0.00001 and 0.00001; ExAC 0.00002.

Submissions (2):

Baylor Genetics
Classification: Uncertain significance for Hereditary spastic paraplegia 50. Last evaluated: 2018-09-27. Review status: criteria provided, single submitter. Criteria: ACMG Guidelines, 2015. Collection method: clinical testing. Allele origin: paternal. Affected: yes.
Comment: This variant was determined to be of uncertain significance according to ACMG Guidelines, 2015 [PMID:25741868].

Labcorp Genetics (formerly Invitae), Labcorp
Classification: Uncertain significance for Hereditary spastic paraplegia 50. Last evaluated: 2017-07-25. Review status: criteria provided, single submitter. Criteria: Invitae Variant Classification Sherloc (09022015). Collection method: clinical testing. Allele origin: germline.
Comment: This variant is present in population databases (rs773269627, ExAC 0.01%). In summary, the available evidence is currently insufficient to determine the role of this variant in disease. Therefore, it has been classified as a Variant of Uncertain Significance. Algorithms developed to predict the effect of missense changes on protein structure and function (SIFT, PolyPhen-2, Align-GVGD) all suggest that this variant is likely to be tolerated, but these predictions have not been confirmed by published functional studies and their clinical significance is uncertain. This variant has not been reported in the literature in individuals with AP4M1-related disease. This sequence change replaces proline with serine at codon 399 of the AP4M1 protein (p.Pro399Ser). The proline residue is moderately conserved and there is a moderate physicochemical difference between proline and serine.

NM_004722.4(AP4M1):c.1195C>T (p.Pro399Ser)

Gene: AP4M1 (adaptor related protein complex 4 subunit mu 1; plus strand). Cytogenetic location: 7q22.1.
Variant type: single nucleotide variant.
Coding change: c.1195C>T on transcript NM_004722.4 (MANE Select); coding-DNA position 1195, C replaced by T.
Protein change: p.Pro399Ser; replaces proline 399 with serine.
Molecular consequence: missense variant.
Genome position (GRCh38, 1-based): chr7:100,106,715, C>T. VCF-style: chr7-100106715-C-T. GRCh37 (hg19) VCF-style: chr7-99704338-C-T.
Other names: c.1216C>T, p.Pro406Ser (NM_001363671.2); short protein forms P399S, P406S.
Identifiers: ClinVar variation 471064 (VCV000471064.10), dbSNP rs773269627, ClinGen allele CA4375026.